The following is an entry in ClinVar:

NM_000051.4(ATM):c.5849C>T (p.Ala1950Val)

Genes: ATM (ATM serine/threonine kinase; plus strand), C11orf65 (chromosome 11 open reading frame 65; minus strand). Cytogenetic location: 11q22.3.
Variant type: single nucleotide variant.
Coding change: c.5849C>T on transcript NM_000051.4 (MANE Select); coding-DNA position 5849, C replaced by T.
Protein change: p.Ala1950Val; replaces alanine 1950 with valine.
Molecular consequence: missense variant. On other transcripts: intron variant (2).
Genome position (GRCh38, 1-based): chr11:108,310,246, C>T. VCF-style: chr11-108310246-C-T. GRCh37 (hg19) VCF-style: chr11-108180973-C-T.
Other names: c.5849C>T, p.Ala1950Val (NM_001351834.2); c.641-1175G>A (NM_001330368.2); c.*39-1175G>A (NM_001351110.2); short protein forms A1950V.
Identifiers: ClinVar variation 826007 (VCV000826007.9), dbSNP rs1591746083, ClinGen allele CA382548459.

ClinVar aggregate classification (germline): Uncertain significance. Review status: criteria provided, multiple submitters, no conflicts (2 of 4 stars). 2 submissions from 2 submitters: Uncertain significance (2). Last evaluated 2025-04-13.

Conditions:
Hereditary cancer-predisposing syndrome. Also called: Tumor predisposition; Neoplastic Syndromes, Hereditary; Hereditary Cancer Syndrome; Hereditary neoplastic syndrome. Identifiers: Orphanet 140162, MedGen C0027672, MeSH D009386, MONDO:0015356.
Ataxia-telangiectasia syndrome (AT). Also called: ATAXIA-TELANGIECTASIA, COMPLEMENTATION GROUP A; ATAXIA-TELANGIECTASIA, FRESNO VARIANT; Ataxia-telangiectasia; Ataxia-telangiectasia, complementation group D; AT, COMPLEMENTATION GROUP C; Ataxia-telangiectasia, complementation group E. Identifiers: Orphanet 100, MedGen C0004135, MONDO:0008840, OMIM 208900.

Submissions (2):

Labcorp Genetics (formerly Invitae), Labcorp
Classification: Uncertain significance for Ataxia-telangiectasia syndrome. Last evaluated: 2025-04-13. Review status: criteria provided, single submitter. Criteria: Invitae Variant Classification Sherloc (09022015). Collection method: clinical testing. Allele origin: germline.
Comment: This sequence change replaces alanine, which is neutral and non-polar, with valine, which is neutral and non-polar, at codon 1950 of the ATM protein (p.Ala1950Val). This variant is not present in population databases (gnomAD no frequency). This variant has not been reported in the literature in individuals affected with ATM-related conditions. ClinVar contains an entry for this variant (Variation ID: 826007). Invitae Evidence Modeling of protein sequence and biophysical properties (such as structural, functional, and spatial information, amino acid conservation, physicochemical variation, residue mobility, and thermodynamic stability) has been performed for this missense variant. However, the output from this modeling did not meet the statistical confidence thresholds required to predict the impact of this variant on ATM protein function. Algorithms developed to predict the effect of sequence changes on RNA splicing suggest that this variant may create or strengthen a splice site. In summary, the available evidence is currently insufficient to determine the role of this variant in disease. Therefore, it has been classified as a Variant of Uncertain Significance.

Ambry Genetics
Classification: Uncertain significance for Hereditary cancer-predisposing syndrome. Last evaluated: 2019-09-04. Review status: criteria provided, single submitter. Criteria: Ambry Variant Classification Scheme 2023. Collection method: clinical testing. Allele origin: germline.
Comment: The p.A1950V variant (also known as c.5849C>T), located in coding exon 38 of the ATM gene, results from a C to T substitution at nucleotide position 5849. The alanine at codon 1950 is replaced by valine, an amino acid with similar properties. This amino acid position is highly conserved in available vertebrate species. In addition, this alteration is predicted to be deleterious by in silico analysis. Since supporting evidence is limited at this time, the clinical significance of this alteration remains unclear.